The following is an entry in ClinVar:

NM_001312673.2(PCYT1A):c.857T>C (p.Ile286Thr)

Gene: PCYT1A (phosphate cytidylyltransferase 1A, choline; minus strand). Cytogenetic location: 3q29.
Variant type: single nucleotide variant.
Coding change: c.857T>C on transcript NM_001312673.2 (MANE Select); coding-DNA position 857, T replaced by C.
Protein change: p.Ile286Thr; replaces isoleucine 286 with threonine.
Molecular consequence: missense variant.
Genome position (GRCh38, 1-based): chr3:196,239,587, A>G on the plus strand (T>C on the coding strand, the complement: PCYT1A is on the minus strand). VCF-style: chr3-196239587-A-G. GRCh37 (hg19) VCF-style: chr3-195966458-A-G.
Other names: c.857T>C, p.Ile286Thr (NM_005017.4); short protein forms I286T.
Identifiers: ClinVar variation 1388002 (VCV001388002.8), dbSNP rs759307632, ClinGen allele CA2779416.

ClinVar aggregate classification (germline): Uncertain significance (1 of 4 stars; one submission).

Allele frequency attached by ClinVar (database versions not stated): ExAC 0.00001; gnomAD 0.00001; gnomAD exomes 0.00001 and 0.00003.
gnomAD v4.1: 24 of 1,613,348 alleles (0.0015%); highest among the groups gnomAD compares: Middle Eastern, 0.016%; no homozygotes.

Submission:

Labcorp Genetics (formerly Invitae), Labcorp
Classification: Uncertain significance. Last evaluated: 2023-10-22. Review status: criteria provided, single submitter. Criteria: Invitae Variant Classification Sherloc (09022015). Collection method: clinical testing. Allele origin: germline.
Comment: This sequence change replaces isoleucine, which is neutral and non-polar, with threonine, which is neutral and polar, at codon 286 of the PCYT1A protein (p.Ile286Thr). This variant is present in population databases (rs759307632, gnomAD 0.006%). This variant has not been reported in the literature in individuals affected with PCYT1A-related conditions. ClinVar contains an entry for this variant (Variation ID: 1388002). Advanced modeling of protein sequence and biophysical properties (such as structural, functional, and spatial information, amino acid conservation, physicochemical variation, residue mobility, and thermodynamic stability) performed at Invitae indicates that this missense variant is expected to disrupt PCYT1A protein function. In summary, the available evidence is currently insufficient to determine the role of this variant in disease. Therefore, it has been classified as a Variant of Uncertain Significance.